The following is an entry in ClinVar:

NM_015346.4(ZFYVE26):c.308A>T (p.Glu103Val)

Gene: ZFYVE26 (zinc finger FYVE-type containing 26; minus strand). Cytogenetic location: 14q24.1.
Variant type: single nucleotide variant.
Coding change: c.308A>T on transcript NM_015346.4 (MANE Select); coding-DNA position 308, A replaced by T.
Protein change: p.Glu103Val; replaces glutamic acid 103 with valine.
Molecular consequence: missense variant.
Genome position (GRCh38, 1-based): chr14:67,809,255, T>A on the plus strand (A>T on the coding strand, the complement: ZFYVE26 is on the minus strand). VCF-style: chr14-67809255-T-A. GRCh37 (hg19) VCF-style: chr14-68275972-T-A.
Other names: short protein forms E103V.
Identifiers: ClinVar variation 1700762 (VCV001700762.2), dbSNP rs750426190, ClinGen allele CA390162511.

ClinVar aggregate classification (germline): Uncertain significance (1 of 4 stars; one submission).

Submission:

GeneDx
Classification: Uncertain significance. Last evaluated: 2022-02-15. Review status: criteria provided, single submitter. Criteria: GeneDx Variant Classification Process June 2021. Collection method: clinical testing. Allele origin: germline. Affected: yes.
Comment: Not observed at significant frequency in large population cohorts (gnomAD); In silico analysis supports that this missense variant does not alter protein structure/function; Has not been previously published as pathogenic or benign to our knowledge